The following is an entry in ClinVar:

NM_001355436.2(SPTB):c.404C>T (p.Ser135Phe)

Gene: SPTB (spectrin beta, erythrocytic; minus strand). Cytogenetic location: 14q23.3.
Variant type: single nucleotide variant.
Coding change: c.404C>T on transcript NM_001355436.2 (MANE Select); coding-DNA position 404, C replaced by T.
Protein change: p.Ser135Phe; replaces serine 135 with phenylalanine.
Molecular consequence: missense variant.
Genome position (GRCh38, 1-based): chr14:64,803,677, G>A on the plus strand (C>T on the coding strand, the complement: SPTB is on the minus strand). VCF-style: chr14-64803677-G-A. GRCh37 (hg19) VCF-style: chr14-65270395-G-A.
Other names: c.404C>T, p.Ser135Phe (NM_001024858.4, NM_001355437.2); short protein forms S135F.
Identifiers: ClinVar variation 4685674 (VCV004685674.1).

ClinVar aggregate classification (germline): Uncertain significance (1 of 4 stars; one submission).

Submission:

ARUP Laboratories, Molecular Genetics and Genomics, ARUP Laboratories
Classification: Uncertain significance. Last evaluated: 2025-03-12. Review status: criteria provided, single submitter. Criteria: ARUP Molecular Germline Variant Investigation Process 2024. Collection method: clinical testing. Allele origin: germline.
Comment: The SPTB c.404C>T; p.Ser135Phe variant, to our knowledge, is not reported in the medical literature or gene specific databases. This variant is also absent from the Genome Aggregation Database (v2.1.1), indicating it is not a common polymorphism. Computational analyses predict that this variant is deleterious (REVEL: 0.732). However, given the lack of clinical and functional data, the significance of this variant is uncertain at this time.